The following is an entry in ClinVar:

NM_001135022.2(ELMOD3):c.209C>T (p.Thr70Ile)

Gene: ELMOD3 (ELMO domain containing 3; plus strand). Cytogenetic location: 2p11.2.
Variant type: single nucleotide variant.
Coding change: c.209C>T on transcript NM_001135022.2 (MANE Select); coding-DNA position 209, C replaced by T.
Protein change: p.Thr70Ile; replaces threonine 70 with isoleucine.
Molecular consequence: missense variant. On other transcripts: non-coding transcript variant (3).
Genome position (GRCh38, 1-based): chr2:85,368,695, C>T. VCF-style: chr2-85368695-C-T. GRCh37 (hg19) VCF-style: chr2-85595818-C-T.
Other names: p.Thr70Ile; c.209C>T, p.Thr70Ile (NM_001135021.2, NM_001135023.2, NM_001329791.2 and 2 more transcripts); short protein forms T70I.
Identifiers: ClinVar variation 508116 (VCV000508116.11), dbSNP rs955592, ClinGen allele CA1740258.

ClinVar aggregate classification (germline): Benign. Review status: criteria provided, multiple submitters, no conflicts (2 of 4 stars). 4 submissions from 4 submitters: Benign (4). Last evaluated 2026-02-02.

Allele frequency attached by ClinVar (database versions not stated): 1000 Genomes Project 0.03155; 1000 Genomes Project 30x 0.03373; TOPMed 0.04870; gnomAD 0.05116 and 0.05144; ESP Exome Variant Server 0.05813.
gnomAD v4.1: 102,980 of 1,613,622 alleles (6.4%); highest among the groups gnomAD compares: Non-Finnish European, 7.2%; 3,695 homozygotes.

Submissions (4):

Labcorp Genetics (formerly Invitae), Labcorp
Classification: Benign. Last evaluated: 2026-02-02. Review status: criteria provided, single submitter. Criteria: Invitae Variant Classification Sherloc (09022015). Collection method: clinical testing. Allele origin: germline.

Mayo Clinic Laboratories, Mayo Clinic
Classification: Benign. Last evaluated: 2020-12-09. Review status: criteria provided, single submitter. Criteria: ACMG Guidelines, 2015. Collection method: clinical testing. Allele origin: germline. Observed: 14 variant alleles.

GeneDx
Classification: Benign. Last evaluated: 2017-05-09. Review status: criteria provided, single submitter. Criteria: GeneDx Variant Classification (06012015). Collection method: clinical testing. Allele origin: germline. Affected: yes.
Comment: This variant is considered likely benign or benign based on one or more of the following criteria: it is a conservative change, it occurs at a poorly conserved position in the protein, it is predicted to be benign by multiple in silico algorithms, and/or has population frequency not consistent with disease.

Breakthrough Genomics
Classification: Benign. Review status: criteria provided, single submitter. Criteria: ACMG Guidelines, 2015. Collection method: not provided. Allele origin: germline. Inheritance: Autosomal recessive inheritance. Affected: yes.